The following is an entry in ClinVar:

ClinVar aggregate classification (germline): Uncertain significance. Review status: criteria provided, multiple submitters, no conflicts (2 of 4 stars). 2 submissions from 2 submitters: Uncertain significance (2). Last evaluated 2025-07-14.

Conditions:
Hereditary cancer-predisposing syndrome. Also called: Neoplastic Syndromes, Hereditary; Hereditary Cancer Syndrome; Hereditary neoplastic syndrome; Tumor predisposition. Identifiers: Orphanet 140162, MedGen C0027672, MeSH D009386, MONDO:0015356.
Familial thoracic aortic aneurysm and aortic dissection (TAAD). Also called: Thoracic aortic aneurysms and dissections. Identifiers: Orphanet 91387, MedGen C4707243, MONDO:0019625.
Juvenile polyposis syndrome (JPS). Identifiers: Orphanet 2929, MedGen C0345893, MONDO:0017380, OMIM 174900.

Submissions (2):

Labcorp Genetics (formerly Invitae), Labcorp
Classification: Uncertain significance for Juvenile polyposis syndrome. Last evaluated: 2025-07-14. Review status: criteria provided, single submitter. Criteria: Invitae Variant Classification Sherloc (09022015). Collection method: clinical testing. Allele origin: germline.
Comment: This sequence change replaces leucine, which is neutral and non-polar, with proline, which is neutral and non-polar, at codon 308 of the SMAD4 protein (p.Leu308Pro). This variant is not present in population databases (gnomAD no frequency). This variant has not been reported in the literature in individuals affected with SMAD4-related conditions. ClinVar contains an entry for this variant (Variation ID: 646028). Invitae Evidence Modeling of protein sequence and biophysical properties (such as structural, functional, and spatial information, amino acid conservation, physicochemical variation, residue mobility, and thermodynamic stability) has been performed for this missense variant. However, the output from this modeling did not meet the statistical confidence thresholds required to predict the impact of this variant on SMAD4 protein function. In summary, the available evidence is currently insufficient to determine the role of this variant in disease. Therefore, it has been classified as a Variant of Uncertain Significance.

Ambry Genetics
Classification: Uncertain significance for Hereditary cancer-predisposing syndrome; Familial thoracic aortic aneurysm and aortic dissection. Last evaluated: 2025-02-06. Review status: criteria provided, single submitter. Criteria: Ambry Variant Classification Scheme 2023. Collection method: clinical testing. Allele origin: germline.
Comment: The p.L308P variant (also known as c.923T>C), located in coding exon 7 of the SMAD4 gene, results from a T to C substitution at nucleotide position 923. The leucine at codon 308 is replaced by proline, an amino acid with similar properties. This amino acid position is well conserved in available vertebrate species. In addition, this alteration is predicted to be deleterious by in silico analysis. Based on the available evidence, the clinical significance of this variant remains unclear.

NM_005359.6(SMAD4):c.923T>C (p.Leu308Pro)

Gene: SMAD4 (SMAD family member 4; plus strand). Cytogenetic location: 18q21.2.
Variant type: single nucleotide variant.
Coding change: c.923T>C on transcript NM_005359.6 (MANE Select); coding-DNA position 923, T replaced by C.
Protein change: p.Leu308Pro; replaces leucine 308 with proline.
Molecular consequence: missense variant.
Genome position (GRCh38, 1-based): chr18:51,059,884, T>C. VCF-style: chr18-51059884-T-C. GRCh37 (hg19) VCF-style: chr18-48586254-T-C.
Other names: short protein forms L308P.
Identifiers: ClinVar variation 646028 (VCV000646028.9), dbSNP rs1599191222, ClinGen allele CA402463677.
Genomic context (GRCh38, chr18:51,059,884, plus strand): 5'-TTTTAGTAAATAAAAATGGAATTTTTGTTGTCTTTTCTTTAGGGCCTGTTCACAATGAGC[T>C]TGCATTCCAGCCTCCCATTTCCAATCATCCTGGTAAGTGTATTTCAAAATTGATTTCCTG-3'
Protein context (NP_005350.1, residues 298-318): PGHYWPVHNE[Leu308Pro]AFQPPISNHP